The following is an entry in ClinVar:

ClinVar aggregate classification (germline): Conflicting classifications of pathogenicity. Review status: criteria provided, conflicting classifications (1 of 4 stars). 2 submissions from 2 submitters: Uncertain significance (1); Likely benign (1). Last evaluated 2024-04-15.

Conditions:
Inborn genetic diseases. Identifiers: MedGen C0950123, MeSH D030342.

Allele frequency attached by ClinVar (database versions not stated): TOPMed 0.00001; gnomAD exomes 0.00002; gnomAD 0.00001.
gnomAD v4.1: 33 of 1,613,190 alleles (0.002%); highest among the groups gnomAD compares: South Asian, 0.0077%; no homozygotes.

Submissions (2):

Ambry Genetics
Classification: Likely benign for Inborn genetic diseases. Last evaluated: 2024-04-15. Review status: criteria provided, single submitter. Criteria: Ambry Variant Classification Scheme 2023. Collection method: clinical testing. Allele origin: germline.

GeneDx
Classification: Uncertain significance. Last evaluated: 2016-11-29. Review status: criteria provided, single submitter. Criteria: GeneDx Variant Classification (06012015). Collection method: clinical testing. Allele origin: germline. Affected: yes.
Comment: The V102I variant in the SMARCAD1 gene has not been reported previously as a pathogenic variant, nor as a benign variant, to our knowledge. The V102I variant was not observed in approximately 6500 individuals of European and African American ancestry in the NHLBI Exome Sequencing Project, indicating it is not a common benign variant in these populations. The V102I variant is a conservative amino acid substitution, which is not likely to impact secondary protein structure as these residues share similar properties. However, this substitution occurs at a position that is not conserved across species, and in silico analysis predicts this variant likely does not alter the protein structure/function. We interpret V102I as a variant of uncertain significance.

NM_020159.5(SMARCAD1):c.304G>A (p.Val102Ile)

Gene: SMARCAD1 (SNF2 related chromatin remodeling ATPase with DExD box 1; plus strand). Cytogenetic location: 4q22.3.
Variant type: single nucleotide variant.
Coding change: c.304G>A on transcript NM_020159.5 (MANE Select); coding-DNA position 304, G replaced by A.
Protein change: p.Val102Ile; replaces valine 102 with isoleucine.
Molecular consequence: missense variant. On other transcripts: non-coding transcript variant (17).
Genome position (GRCh38, 1-based): chr4:94,226,232, G>A. VCF-style: chr4-94226232-G-A. GRCh37 (hg19) VCF-style: chr4-95147383-G-A.
Other names: c.304G>A (NM_001128429.1); c.304G>A, p.Val102Ile (NM_001128429.3, NM_001128430.2, NM_001375855.1 and 2 more transcripts); c.301G>A, p.Val101Ile (NM_001375857.1); short protein forms V102I, V101I.
Identifiers: ClinVar variation 373389 (VCV000373389.2), dbSNP rs200948051, ClinGen allele CA3013029.